The following is an entry in ClinVar:

ClinVar aggregate classification (germline): Benign. Review status: criteria provided, multiple submitters, no conflicts (2 of 4 stars). 3 submissions from 3 submitters: Benign (3). Last evaluated 2018-11-10.

Conditions:
Spermatogenic failure 7. Also called: MALE INFERTILITY, NONSYNDROMIC, AUTOSOMAL RECESSIVE. Identifiers: Orphanet 276234, MedGen C2751811, MONDO:0013070, OMIM 612997.

Allele frequency attached by ClinVar (database versions not stated): gnomAD exomes 0.28858; 1000 Genomes Project 30x 0.34088; TOPMed 0.35596; gnomAD 0.34000 and 0.34569; 1000 Genomes Project 0.33746.
gnomAD v4.1: 467,900 of 1,593,942 alleles (29%); highest among the groups gnomAD compares: Admixed American, 47%; 72,967 homozygotes.

Submissions (3):

GeneDx
Classification: Benign. Last evaluated: 2018-11-10. Review status: criteria provided, single submitter. Criteria: GeneDx Variant Classification Process June 2021. Collection method: clinical testing. Allele origin: germline. Affected: yes.

Illumina Laboratory Services, Illumina
Classification: Benign for Spermatogenic failure 7. Last evaluated: 2018-01-13. Review status: criteria provided, single submitter. Criteria: ICSL Variant Classification Criteria 13 December 2019. Collection method: clinical testing. Allele origin: germline.
Comment: This variant was observed in the ICSL laboratory as part of a predisposition screen in an ostensibly healthy population. It had not been previously curated by ICSL or reported in the Human Gene Mutation Database (HGMD: prior to June 1st, 2018), and was therefore a candidate for classification through an automated scoring system. Utilizing variant allele frequency, disease prevalence and penetrance estimates, and inheritance mode, an automated score was calculated to assess if this variant is too frequent to cause the disease. Based on the score and internal cut-off values, a variant classified as benign is not then subjected to further curation. The score for this variant resulted in a classification of benign for this disease.

Breakthrough Genomics
Classification: Benign. Review status: criteria provided, single submitter. Criteria: ACMG Guidelines, 2015. Collection method: not provided. Allele origin: germline. Inheritance: Autosomal recessive inheritance. Affected: yes.

NM_053054.4(CATSPER1):c.-92T>C

Gene: CATSPER1 (cation channel sperm associated 1; minus strand). Cytogenetic location: 11q13.1.
Variant type: single nucleotide variant.
Coding change: c.-92T>C on transcript NM_053054.4 (MANE Select); 92 bases upstream of the start codon, T replaced by C.
Molecular consequence: 5 prime UTR variant.
Genome position (GRCh38, 1-based): chr11:66,026,471, A>G on the plus strand (T>C on the coding strand, the complement: CATSPER1 is on the minus strand). VCF-style: chr11-66026471-A-G. GRCh37 (hg19) VCF-style: chr11-65793942-A-G.
Identifiers: ClinVar variation 305455 (VCV000305455.8), dbSNP rs947847, ClinGen allele CA10639737.
Genomic context (GRCh38, chr11:66,026,471, plus strand): 5'-CTCAAGACCTGGGCCCAACAGGCCCCGCCTGGATTTCCCTTCTTTCCTGAGCCAAGCTCA[A>G]TGCAGACTGTGGCACTGGGCTTCCAGAAAGGCCTGACTATTCTCGTGGAACTCTCCCCTC-3'